The following is an entry in ClinVar:

ClinVar aggregate classification (germline): Likely benign. Review status: criteria provided, multiple submitters, no conflicts (2 of 4 stars). 2 submissions from 2 submitters: Likely benign (2). Last evaluated 2025-08-31.

Allele frequency attached by ClinVar (database versions not stated): TOPMed below 0.00001; gnomAD 0.00001; ExAC 0.00002; gnomAD exomes 0.00002 and 0.00005.
gnomAD v4.1: 32 of 1,613,658 alleles (0.002%); highest among the groups gnomAD compares: East Asian, 0.069%; no homozygotes.

Submissions (2):

Labcorp Genetics (formerly Invitae), Labcorp
Classification: Likely benign. Last evaluated: 2025-08-31. Review status: criteria provided, single submitter. Criteria: Invitae Variant Classification Sherloc (09022015). Collection method: clinical testing. Allele origin: germline.

Laboratory for Molecular Medicine, Mass General Brigham Personalized Medicine
Classification: Likely benign. Last evaluated: 2017-01-12. Review status: criteria provided, single submitter. Criteria: LMM Criteria. Collection method: clinical testing. Allele origin: germline. Observed: 1 variant allele.
Comment: p.Arg5100Arg in exon 74 of GPR98: This variant is not expected to have clinical significance because it does not alter an amino acid residue and is not located within the splice consensus sequence. It has been identified in 3/17342 East Asi an chromosomes by the Genome Aggregation Database (gnomAD; dbSNP rs774978203).

NM_032119.4(ADGRV1):c.15300G>A (p.Arg5100=)

Gene: ADGRV1 (adhesion G protein-coupled receptor V1; plus strand). Cytogenetic location: 5q14.3.
Variant type: single nucleotide variant.
Coding change: c.15300G>A on transcript NM_032119.4 (MANE Select); coding-DNA position 15300, G replaced by A.
Protein change: p.Arg5100=; no amino-acid change (arginine 5100 retained).
Molecular consequence: synonymous variant. On other transcripts: non-coding transcript variant (1).
Genome position (GRCh38, 1-based): chr5:90,810,560, G>A. VCF-style: chr5-90810560-G-A. GRCh37 (hg19) VCF-style: chr5-90106377-G-A.
Identifiers: ClinVar variation 505486 (VCV000505486.7), dbSNP rs774978203, ClinGen allele CA3341892.